The following is an entry in ClinVar:

NM_000489.6(ATRX):c.2785= (p.Glu929=)

Gene: ATRX (ATRX chromatin remodeler; minus strand). Cytogenetic location: Xq21.1.
Variant type: single nucleotide variant.
Coding change: c.2785= on transcript NM_000489.6 (MANE Select); coding-DNA position 2785, no change from the reference sequence.
Protein change: p.Glu929=; no amino-acid change (glutamic acid 929 retained).
Molecular consequence: no sequence alteration.
Genome position: GRCh38 VCF-style: chrX-77682471-C-C. GRCh37 (hg19) VCF-style: chrX-76937963-G-C.
Other names: c.2671=, p.Glu891= (NM_138270.5).
Identifiers: ClinVar variation 93135 (VCV000093135.33), dbSNP rs3088074.

ClinVar aggregate classification (germline): Benign. Review status: criteria provided, multiple submitters, no conflicts (2 of 4 stars). 13 submissions from 12 submitters: Benign (9). 4 of the submissions do not count toward it. Last evaluated 2026-02-04.

Conditions:
Inborn genetic diseases. Identifiers: MedGen C0950123, MeSH D030342.
Intellectual disability-hypotonic facies syndrome, X-linked, 1 (MRXHF1). Also called: Smith Fineman Myers syndrome 1; CHUDLEY-LOWRY SYNDROME; Chudley syndrome 1; Chudley-Lowry-Hoar syndrome; Carpenter-Waziri syndrome; XLMR-HYPOTONIC FACIES SYNDROME. Identifiers: Orphanet 73220, Orphanet 93970, Orphanet 93971, Orphanet 93972, Orphanet 93973, Orphanet 93974, Orphanet 93975, MedGen C4759781, MONDO:0010663, OMIM 309580.
Alpha thalassemia-X-linked intellectual disability syndrome (ATRX). Also called: ALPHA-THALASSEMIA/MENTAL RETARDATION SYNDROME, X-LINKED; ATR-X syndrome; Alpha thalassemia mental retardation syndrome, nondeletion type, X-linked; XLMR hypotonic face syndrome; ATR, NONDELETION TYPE; X-linked alpha-thalassemia-mental retardation syndrome. Identifiers: Orphanet 847, MedGen C1845055, MONDO:0010519, OMIM 301040.

Allele frequency attached by ClinVar (database versions not stated): gnomAD 0.49116; TOPMed 0.49626; 1000 Genomes Project 30x 0.55505.

Submissions (13):

Labcorp Genetics (formerly Invitae), Labcorp
Classification: Benign for Alpha thalassemia-X-linked intellectual disability syndrome. Last evaluated: 2026-02-04. Review status: criteria provided, single submitter. Criteria: Invitae Variant Classification Sherloc (09022015). Collection method: clinical testing. Allele origin: germline.

Blueprint Genetics
Classification: Benign. Last evaluated: 2024-11-28. Review status: criteria provided, single submitter. Criteria: ACMG Guidelines, 2015. Collection method: clinical testing. Allele origin: germline.

Genome-Nilou Lab
Classification: Benign for Alpha thalassemia-X-linked intellectual disability syndrome. Last evaluated: 2021-07-14. Review status: criteria provided, single submitter. Criteria: ACMG Guidelines, 2015. Collection method: clinical testing. Allele origin: germline. Affected: no.

Genome-Nilou Lab
Classification: Benign for Intellectual disability-hypotonic facies syndrome, X-linked, 1. Last evaluated: 2021-07-14. Review status: criteria provided, single submitter. Criteria: ACMG Guidelines, 2015. Collection method: clinical testing. Allele origin: germline. Affected: no.

Athena Diagnostics
Classification: Benign. Last evaluated: 2018-05-07. Review status: criteria provided, single submitter. Criteria: Athena Diagnostics Criteria. Collection method: clinical testing. Allele origin: germline.

Eurofins Ntd Llc (ga)
Classification: Benign. Last evaluated: 2015-09-25. Review status: criteria provided, single submitter. Criteria: EGL Classification Definitions 2015. Collection method: clinical testing. Allele origin: germline. Observed: 82 variant alleles, 7 heterozygotes, 11 homozygotes, 64 hemizygotes.

Ambry Genetics
Classification: Benign for Inborn genetic diseases. Last evaluated: 2015-06-25. Review status: criteria provided, single submitter. Criteria: Ambry Variant Classification Scheme 2023. Collection method: clinical testing. Allele origin: germline.

GeneDx
Classification: Benign. Last evaluated: 2015-03-03. Review status: criteria provided, single submitter. Criteria: GeneDx Variant Classification Process June 2021. Collection method: clinical testing. Allele origin: germline. Affected: yes.

Breakthrough Genomics
Classification: Benign. Review status: criteria provided, single submitter. Criteria: ACMG Guidelines, 2015. Collection method: not provided. Allele origin: germline. Inheritance: X-linked inheritance. Affected: yes.

ITMI
No classification provided. Condition: AllHighlyPenetrant. Last evaluated: 2013-09-19. Review status: no classification provided. Collection method: reference population. Allele origin: germline. Not counted in ClinVar's aggregate classification.
Comment: Please see associated publication for description of ethnicities

Diagnostic Laboratory, Department of Genetics, University Medical Center Groningen
Classification: Benign. Review status: no assertion criteria provided. Collection method: clinical testing. Allele origin: germline. Affected: yes. Study: VKGL Data-share Consensus. Not counted in ClinVar's aggregate classification.

Genetic Services Laboratory, University of Chicago
Classification: Likely benign for AllHighlyPenetrant. Review status: no assertion criteria provided. Collection method: clinical testing. Allele origin: germline. Inheritance: X-linked inheritance. Not counted in ClinVar's aggregate classification.
Comment: Likely benign based on allele frequency in 1000 Genomes Project or ESP global frequency and its presence in a patient with a rare or unrelated disease phenotype. NOT Sanger confirmed.

Joint Genome Diagnostic Labs from Nijmegen and Maastricht, Radboudumc and MUMC+
Classification: Benign. Review status: no assertion criteria provided. Collection method: clinical testing. Allele origin: germline. Affected: yes. Study: VKGL Data-share Consensus. Not counted in ClinVar's aggregate classification.

Literature cited by the submitters: PubMed 24728327 (cited by ITMI).